The following is an entry in ClinVar:

NM_000038.6(APC):c.4778A>G (p.Lys1593Arg)

Gene: APC (APC regulator of Wnt signaling pathway; plus strand). Cytogenetic location: 5q22.2.
Variant type: single nucleotide variant.
Coding change: c.4778A>G on transcript NM_000038.6 (MANE Select); coding-DNA position 4778, A replaced by G.
Protein change: p.Lys1593Arg; replaces lysine 1593 with arginine.
Molecular consequence: missense variant.
Genome position (GRCh38, 1-based): chr5:112,840,372, A>G. VCF-style: chr5-112840372-A-G. GRCh37 (hg19) VCF-style: chr5-112176069-A-G.
Other names: c.4778A>G, p.Lys1593Arg (NM_001127510.3, NM_001354895.2); c.4724A>G, p.Lys1575Arg (NM_001127511.3); c.4832A>G, p.Lys1611Arg (NM_001354896.2); c.4808A>G, p.Lys1603Arg (NM_001354897.2); c.4703A>G, p.Lys1568Arg (NM_001354898.2); c.4694A>G, p.Lys1565Arg (NM_001354899.2); c.4655A>G, p.Lys1552Arg (NM_001354900.2); c.4601A>G, p.Lys1534Arg (NM_001354901.2); and 5 more; short protein forms K1502R, K1565R, K1310R, K1467R, K1603R, K1433R, K1568R, K1575R.
Identifiers: ClinVar variation 1489880 (VCV001489880.8), dbSNP rs2149923495, ClinGen allele CA16031804.

ClinVar aggregate classification (germline): Uncertain significance (1 of 4 stars; one submission).

Conditions:
Familial adenomatous polyposis 1 (FAP1). Also called: FAMILIAL ADENOMATOUS POLYPOSIS 1, ATTENUATED; POLYPOSIS, ADENOMATOUS INTESTINAL. Identifiers: MedGen C2713442, MONDO:0021056, OMIM 175100. Disease mechanism: loss of function.

Submission:

Labcorp Genetics (formerly Invitae), Labcorp
Classification: Uncertain significance for Familial adenomatous polyposis 1. Last evaluated: 2021-01-02. Review status: criteria provided, single submitter. Criteria: Invitae Variant Classification Sherloc (09022015). Collection method: clinical testing. Allele origin: germline.
Comment: In summary, the available evidence is currently insufficient to determine the role of this variant in disease. Therefore, it has been classified as a Variant of Uncertain Significance. Algorithms developed to predict the effect of missense changes on protein structure and function are either unavailable or do not agree on the potential impact of this missense change (SIFT: "Deleterious"; PolyPhen-2: "Probably Damaging"; Align-GVGD: "Class C0"). This variant has not been reported in the literature in individuals with APC-related conditions. This variant is not present in population databases (ExAC no frequency). This sequence change replaces lysine with arginine at codon 1593 of the APC protein (p.Lys1593Arg). The lysine residue is highly conserved and there is a small physicochemical difference between lysine and arginine.